The following is an entry in ClinVar:

NM_001414.3(EIF2B1):c.-144G>C

Gene: EIF2B1 (eukaryotic translation initiation factor 2B subunit alpha; minus strand). Cytogenetic location: 12q24.31.
Variant type: single nucleotide variant.
Coding change: c.-144G>C on transcript NM_001414.3; 144 bases upstream of the start codon, G replaced by C.
Genome position (GRCh38, 1-based): chr12:123,633,701, C>G on the plus strand (G>C on the coding strand, the complement: EIF2B1 is on the minus strand). VCF-style: chr12-123633701-C-G. GRCh37 (hg19) VCF-style: chr12-124118248-C-G.
Identifiers: ClinVar variation 307535 (VCV000307535.8), dbSNP rs34827093, ClinGen allele CA10636696.

ClinVar aggregate classification (germline): Benign. Review status: criteria provided, multiple submitters, no conflicts (2 of 4 stars). 2 submissions from 2 submitters: Benign (2). Last evaluated 2018-01-12.

Conditions:
Vanishing white matter disease. Also called: CACH syndrome; Childhood ataxia with diffuse central nervous system hypomyelination; Leukoencephalopathy with vanishing white matter; CACH/VWM syndrome; Cree leukoencehalopathy. Identifiers: Orphanet 135, Orphanet 99853, MedGen C1858991, MONDO:0800448.

Allele frequency attached by ClinVar (database versions not stated): gnomAD 0.07426 and 0.07765; TOPMed 0.08281; 1000 Genomes Project 30x 0.08463; 1000 Genomes Project 0.08007.

Submissions (2):

Illumina Laboratory Services, Illumina
Classification: Benign for Leukoencephalopathy with vanishing white matter 1. Last evaluated: 2018-01-12. Review status: criteria provided, single submitter. Criteria: ICSL Variant Classification Criteria 13 December 2019. Collection method: clinical testing. Allele origin: germline.
Comment: This variant was observed in the ICSL laboratory as part of a predisposition screen in an ostensibly healthy population. It had not been previously curated by ICSL or reported in the Human Gene Mutation Database (HGMD: prior to June 1st, 2018), and was therefore a candidate for classification through an automated scoring system. Utilizing variant allele frequency, disease prevalence and penetrance estimates, and inheritance mode, an automated score was calculated to assess if this variant is too frequent to cause the disease. Based on the score and internal cut-off values, a variant classified as benign is not then subjected to further curation. The score for this variant resulted in a classification of benign for this disease.

Breakthrough Genomics
Classification: Benign. Review status: criteria provided, single submitter. Criteria: ACMG Guidelines, 2015. Collection method: not provided. Allele origin: germline. Inheritance: Autosomal recessive inheritance. Affected: yes.